The following is an entry in ClinVar:

NM_001035.3(RYR2):c.2038G>A (p.Asp680Asn)

Gene: RYR2 (ryanodine receptor 2; plus strand). Cytogenetic location: 1q43.
Variant type: single nucleotide variant.
Coding change: c.2038G>A on transcript NM_001035.3 (MANE Select); coding-DNA position 2038, G replaced by A.
Protein change: p.Asp680Asn; replaces aspartic acid 680 with asparagine.
Molecular consequence: missense variant.
Genome position (GRCh38, 1-based): chr1:237,496,587, G>A. VCF-style: chr1-237496587-G-A. GRCh37 (hg19) VCF-style: chr1-237659887-G-A.
Other names: p.D680N:GAC>AAC; c.2038G>A, p.Asp680Asn (LRG_402t1); short protein forms D680N.
Identifiers: ClinVar variation 201226 (VCV000201226.10), dbSNP rs794728727, ClinGen allele CA008665.

ClinVar aggregate classification (germline): Uncertain significance. Review status: criteria provided, multiple submitters, no conflicts (2 of 4 stars). 5 submissions from 5 submitters: Uncertain significance (5). Last evaluated 2026-09-07.

Conditions:
Cardiovascular phenotype. Identifiers: MedGen CN230736.
Catecholaminergic polymorphic ventricular tachycardia (CVPT). Also called: Catecholamine-induced polymorphic ventricular tachycardia. Identifiers: Orphanet 3286, MedGen C5574922, MONDO:0017990.
Cardiomyopathy (CMYO). Also called: Cardiomyopathies. Identifiers: Orphanet 167848, MedGen C0878544, MONDO:0004994, HP:0001638. Inheritance: Various modes of inheritance.

Allele frequency attached by ClinVar (database versions not stated): TOPMed below 0.00001; gnomAD exomes 0.00001.
gnomAD v4.1: 16 of 1,613,968 alleles (0.00099%); highest among the groups gnomAD compares: Non-Finnish European, 0.0014%; no homozygotes.

Submissions (5):

Ambry Genetics
Classification: Uncertain significance for Cardiovascular phenotype. Last evaluated: 2026-09-07. Review status: criteria provided, single submitter. Criteria: Ambry Variant Classification Scheme 2023. Collection method: clinical testing. Allele origin: germline.
Comment: The p.D680N variant (also known as c.2038G>A), located in coding exon 20 of the RYR2 gene, results from a G to A substitution at nucleotide position 2038. The aspartic acid at codon 680 is replaced by asparagine, an amino acid with highly similar properties. This amino acid position is conserved. In addition, the in silico prediction for this alteration is inconclusive. Based on the available evidence, the clinical significance of this variant remains unclear.

Color Diagnostics, LLC DBA Color Health
Classification: Uncertain significance for Cardiomyopathy. Last evaluated: 2024-03-06. Review status: criteria provided, single submitter. Criteria: ACMG Guidelines, 2015. Collection method: clinical testing. Allele origin: germline.
Comment: This missense variant replaces aspartic acid with asparagine at codon 680 of the RYR2 protein. Computational prediction is inconclusive regarding the impact of this variant on protein structure and function (internally defined REVEL score threshold 0.5 < inconclusive < 0.7, PMID: 27666373). To our knowledge, functional studies have not been reported for this variant. This variant has not been reported in individuals affected with RYR2-related disorders in the literature. This variant has not been identified in the general population by the Genome Aggregation Database (gnomAD). The available evidence is insufficient to determine the role of this variant in disease conclusively. Therefore, this variant is classified as a Variant of Uncertain Significance.

Blueprint Genetics
Classification: Uncertain significance. Last evaluated: 2023-10-20. Review status: criteria provided, single submitter. Criteria: ACMG Guidelines, 2015. Collection method: clinical testing. Allele origin: germline.

All of Us Research Program, National Institutes of Health
Classification: Uncertain significance for Catecholaminergic polymorphic ventricular tachycardia. Last evaluated: 2023-09-17. Review status: criteria provided, single submitter. Criteria: ACMG Guidelines, 2015. Collection method: clinical testing. Allele origin: germline. Inheritance: Autosomal dominant inheritance. Observed: 1 variant allele, 1 heterozygote.
Comment: This missense variant replaces aspartic acid with asparagine at codon 680 of the RYR2 protein. Computational prediction tools and conservation analyses suggest that this variant may have deleterious impact on the protein function. Computational splicing tools suggest that this variant may not impact RNA splicing. To our knowledge, functional assays have not been performed for this variant nor has this variant been reported in individuals affected with cardiovascular disorders in the literature. This variant has not been identified in the general population by the Genome Aggregation Database (gnomAD). Available evidence is insufficient to determine the role of this variant in disease conclusively. Therefore, this variant is classified as a Variant of Uncertain Significance.

This study involves interpretation of variants in research participants for the purpose of population health screening. Participant phenotype was not available at the time of variant classification. Additional details can be found in publication PMID: 35346344, PMCID: PMC8962531

GeneDx
Classification: Uncertain significance. Last evaluated: 2013-08-26. Review status: criteria provided, single submitter. Criteria: GeneDx Variant Classification (06012015). Collection method: clinical testing. Allele origin: germline. Affected: yes.
Comment: p.Asp680Asn (GAC>AAC): c.2038 G>A in exon 20 of the RYR2 gene (NM_001035.2). The D680N variant in the RYR2 gene has not been reported as a disease-causing mutation or as a benign polymorphism to our knowledge. D680N results in a semi-conservative amino acid substitution of a negatively charged Aspartic acid to a neutral, polar Asparagine at a position that is well conserved across species. In silico analysis predicts D680N is damaging to the protein structure/function. The D680N variant was not observed in approximately 6,000 individuals of European and African American ancestry in the NHLBI Exome Sequencing Project, indicating it is not a common benign variant in these populations. Nevertheless, D680N does not occur in one of the mutation hot spot regions of the RYR2 gene (Medeiros-Domingo A et al., 2009), and no mutations in nearby residues have been reported in association with arrhythmia. With the clinical and molecular information available at this time, we cannot definitively determine if D680N is a disease-causing mutation or a rare benign variant. The variant is found in POSTMORTEM panel(s).